The following is an entry in ClinVar:

ClinVar aggregate classification (germline): Likely benign. Review status: criteria provided, multiple submitters, no conflicts (2 of 4 stars). 3 submissions from 3 submitters: Likely benign (3). Last evaluated 2025-12-29.

Allele frequency attached by ClinVar (database versions not stated): gnomAD exomes 0.00001 and 0.00002; TOPMed 0.00002.
gnomAD v4.1: 28 of 1,613,910 alleles (0.0017%); highest among the groups gnomAD compares: African/African-American, 0.0067%; no homozygotes.

Submissions (3):

Labcorp Genetics (formerly Invitae), Labcorp
Classification: Likely benign. Last evaluated: 2025-12-29. Review status: criteria provided, single submitter. Criteria: Invitae Variant Classification Sherloc (09022015). Collection method: clinical testing. Allele origin: germline.

Blueprint Genetics
Classification: Likely benign. Last evaluated: 2024-01-18. Review status: criteria provided, single submitter. Criteria: ACMG Guidelines, 2015. Collection method: clinical testing. Allele origin: germline.

CeGaT Center for Human Genetics Tuebingen
Classification: Likely benign. Last evaluated: 2023-05-01. Review status: criteria provided, single submitter. Criteria: CeGaT Center For Human Genetics Tuebingen Variant Classification Criteria Version 2. Collection method: clinical testing. Allele origin: germline. Affected: yes. Observed: 1 variant allele.
Comment: SETBP1: BP4, BP7

NM_015559.3(SETBP1):c.990G>A (p.Thr330=)

Gene: SETBP1 (SET binding protein 1; plus strand). Cytogenetic location: 18q12.3.
Variant type: single nucleotide variant.
Coding change: c.990G>A on transcript NM_015559.3 (MANE Select); coding-DNA position 990, G replaced by A.
Protein change: p.Thr330=; no amino-acid change (threonine 330 retained).
Molecular consequence: synonymous variant.
Genome position (GRCh38, 1-based): chr18:44,950,330, G>A. VCF-style: chr18-44950330-G-A. GRCh37 (hg19) VCF-style: chr18-42530295-G-A.
Other names: c.990G>A, p.Thr330= (NM_001379141.1, NM_001379142.1).
Identifiers: ClinVar variation 1595007 (VCV001595007.33), dbSNP rs979688368, ClinGen allele CA299696719.
Genomic context (GRCh38, chr18:44,950,330, plus strand): 5'-GCTTCAGCCCTTGGTGGATCAAGATGGAGGAGGTACAAAGGAGCCCCCAGAACCACCTAC[G>A]GTGGGCAGCAAGAAAAAGTCCAGTAAAAAAGATGTGATAAGTCAGACCATACCAAACCCA-3'
Protein context (NP_056374.2, residues 320-340): GGTKEPPEPP[Thr330=]VGSKKKSSKK